The following is an entry in ClinVar:

ClinVar aggregate classification (germline): Uncertain significance (1 of 4 stars; one submission).

Submission:

Labcorp Genetics (formerly Invitae), Labcorp
Classification: Uncertain significance. Last evaluated: 2024-06-24. Review status: criteria provided, single submitter. Criteria: Invitae Variant Classification Sherloc (09022015). Collection method: clinical testing. Allele origin: germline.
Comment: This sequence change replaces alanine, which is neutral and non-polar, with glycine, which is neutral and non-polar, at codon 213 of the AK7 protein (p.Ala213Gly). This variant is not present in population databases (gnomAD no frequency). This variant has not been reported in the literature in individuals affected with AK7-related conditions. ClinVar contains an entry for this variant (Variation ID: 2095665). Advanced modeling of protein sequence and biophysical properties (such as structural, functional, and spatial information, amino acid conservation, physicochemical variation, residue mobility, and thermodynamic stability) performed at Invitae indicates that this missense variant is not expected to disrupt AK7 protein function with a negative predictive value of 80%. In summary, the available evidence is currently insufficient to determine the role of this variant in disease. Therefore, it has been classified as a Variant of Uncertain Significance.

NM_152327.5(AK7):c.638C>G (p.Ala213Gly)

Gene: AK7 (adenylate kinase 7; plus strand). Cytogenetic location: 14q32.2.
Variant type: single nucleotide variant.
Coding change: c.638C>G on transcript NM_152327.5 (MANE Select); coding-DNA position 638, C replaced by G.
Protein change: p.Ala213Gly; replaces alanine 213 with glycine.
Molecular consequence: missense variant.
Genome position (GRCh38, 1-based): chr14:96,437,863, C>G. VCF-style: chr14-96437863-C-G. GRCh37 (hg19) VCF-style: chr14-96904200-C-G.
Other names: c.638C>G, p.Ala213Gly (NM_001350888.2, NM_001350890.2, NM_001350891.2 and 1 more transcripts); short protein forms A213G.
Identifiers: ClinVar variation 2095665 (VCV002095665.4), dbSNP rs996679957, ClinGen allele CA390923415.